The following is an entry in ClinVar:

NM_000435.3(NOTCH3):c.319C>T (p.Arg107Trp)

Gene: NOTCH3 (notch receptor 3; minus strand). Cytogenetic location: 19p13.12.
Variant type: single nucleotide variant.
Coding change: c.319C>T on transcript NM_000435.3 (MANE Select); coding-DNA position 319, C replaced by T.
Protein change: p.Arg107Trp; replaces arginine 107 with tryptophan.
Molecular consequence: missense variant.
Genome position (GRCh38, 1-based): chr19:15,192,398, G>A on the plus strand (C>T on the coding strand, the complement: NOTCH3 is on the minus strand). VCF-style: chr19-15192398-G-A. GRCh37 (hg19) VCF-style: chr19-15303209-G-A.
Other names: short protein forms R107W.
Identifiers: ClinVar variation 1303245 (VCV001303245.3), dbSNP rs768965053, ClinGen allele CA9263931.

ClinVar aggregate classification (germline): Uncertain significance. Review status: criteria provided, multiple submitters, no conflicts (2 of 4 stars). 2 submissions from 2 submitters: Uncertain significance (2). Last evaluated 2023-07-05.

Allele frequency attached by ClinVar (database versions not stated): TOPMed below 0.00001; ExAC 0.00002; gnomAD 0.00002.
gnomAD v4.1: 57 of 1,612,788 alleles (0.0035%); highest among the groups gnomAD compares: East Asian, 0.016%; no homozygotes.

Submissions (2):

Athena Diagnostics
Classification: Uncertain significance. Last evaluated: 2023-07-05. Review status: criteria provided, single submitter. Criteria: Athena Diagnostics Criteria. Collection method: clinical testing. Allele origin: unknown.
Comment: Available data are insufficient to determine the clinical significance of the variant at this time. The frequency of this variant in the general population is higher than would generally be expected for pathogenic variants in this gene. Computational tools disagree on the variant's effect on normal protein function. Greater than 90% of NOTCH3 pathogenic variants associated with CADASIL involve the gain or loss of a cysteine residue within the epidermal growth factor (EGF)-like repeat domain (PMID: 32457593, 20301673).

GeneDx
Classification: Uncertain significance. Last evaluated: 2019-05-31. Review status: criteria provided, single submitter. Criteria: GeneDx Variant Classification Process June 2021. Collection method: clinical testing. Allele origin: germline. Affected: yes.
Comment: Reported in two patients with leukoencephalopathy; however further clinical and familial segregation information were not provided (Ungaro et al., 2009); Reported in a patient with history of a lacunar stroke and hypertension; however, information about parental testing was not provided and functional characterization of the variant was not performed (Kilarski et al., 2015); In silico analysis, which includes protein predictors and evolutionary conservation, supports a deleterious effect; This variant is associated with the following publications: (PMID: 26305465, 19006080)

Literature cited by the submitters: PubMed 26305465 (cited by Athena Diagnostics); PubMed 19006080 (cited by Athena Diagnostics); PubMed 31799216 (cited by Athena Diagnostics).